The following is an entry in ClinVar:

NM_020911.2(PLXNA4):c.786G>A (p.Glu262=)

Gene: PLXNA4 (plexin A4; minus strand). Cytogenetic location: 7q32.3.
Variant type: single nucleotide variant.
Coding change: c.786G>A on transcript NM_020911.2 (MANE Select); coding-DNA position 786, G replaced by A.
Protein change: p.Glu262=; no amino-acid change (glutamic acid 262 retained).
Molecular consequence: synonymous variant.
Genome position (GRCh38, 1-based): chr7:132,507,908, C>T on the plus strand (G>A on the coding strand, the complement: PLXNA4 is on the minus strand). VCF-style: chr7-132507908-C-T. GRCh37 (hg19) VCF-style: chr7-132192667-C-T.
Other names: c.786G>A, p.Glu262= (NM_001105543.2, NM_001393897.1, NM_181775.4).
Identifiers: ClinVar variation 3351843 (VCV003351843.1).
Genomic context (GRCh38, chr7:132,507,908, plus strand): 5'-CCTCACGAGCTTGGATGTATACACCTGCTCCTTGGTGGTGGAGCCTGGTGGAGACACCAT[C>T]TCAGGTTGGAGGGTCAAAAAGTAGACAAAGTTGCCACTGCTAAAACCATAGACATAGTAG-3'
Protein context (NP_065962.1, residues 252-272): NFVYFLTLQP[Glu262=]MVSPPGSTTK

ClinVar aggregate classification (germline): Likely benign (0 of 4 stars; one submission).

Conditions:
PLXNA4-related disorder. Also called: PLXNA4-related condition.

gnomAD v4.1: 6 of 1,614,136 alleles (0.00037%); highest among the groups gnomAD compares: Admixed American, 0.01%; no homozygotes.

Submission:

PreventionGenetics, part of Exact Sciences
Classification: Likely benign for PLXNA4-related condition. Last evaluated: 2024-05-01. Review status: no assertion criteria provided. Collection method: clinical testing. Allele origin: germline.
Comment: This variant is classified as likely benign based on ACMG/AMP sequence variant interpretation guidelines (Richards et al. 2015 PMID: 25741868, with internal and published modifications).